The following is an entry in ClinVar:

ClinVar aggregate classification (germline): Uncertain significance (1 of 4 stars; one submission).

Conditions:
Hereditary cancer-predisposing syndrome. Also called: Neoplastic Syndromes, Hereditary; Tumor predisposition; Hereditary neoplastic syndrome; Hereditary Cancer Syndrome. Identifiers: Orphanet 140162, MedGen C0027672, MeSH D009386, MONDO:0015356.

Submission:

Ambry Genetics
Classification: Uncertain significance for Hereditary cancer-predisposing syndrome. Last evaluated: 2023-03-07. Review status: criteria provided, single submitter. Criteria: Ambry Variant Classification Scheme 2023. Collection method: clinical testing. Allele origin: germline.
Comment: The p.C298Y variant (also known as c.893G>A), located in coding exon 1 of the MET gene, results from a G to A substitution at nucleotide position 893. The cysteine at codon 298 is replaced by tyrosine, an amino acid with highly dissimilar properties. This amino acid position is highly conserved in available vertebrate species. In addition, this alteration is predicted to be deleterious by in silico analysis. Since supporting evidence is limited at this time, the clinical significance of this alteration remains unclear.

NM_000245.4(MET):c.893G>A (p.Cys298Tyr)

Gene: MET (MET proto-oncogene, receptor tyrosine kinase; plus strand). Cytogenetic location: 7q31.2.
Variant type: single nucleotide variant.
Coding change: c.893G>A on transcript NM_000245.4 (MANE Select); coding-DNA position 893, G replaced by A.
Protein change: p.Cys298Tyr; replaces cysteine 298 with tyrosine.
Molecular consequence: missense variant. On other transcripts: intron variant (1).
Genome position (GRCh38, 1-based): chr7:116,699,977, G>A. VCF-style: chr7-116699977-G-A. GRCh37 (hg19) VCF-style: chr7-116340031-G-A.
Other names: c.893G>A, p.Cys298Tyr (NM_001127500.3, NM_001324401.3); c.-91+27400G>A (NM_001324402.2); short protein forms C298Y.
Identifiers: ClinVar variation 2453419 (VCV002453419.2), dbSNP rs2116600419, ClinGen allele CA368970086.